The following is an entry in ClinVar:

NM_014241.4(HACD1):c.667G>A (p.Ala223Thr)

Gene: HACD1 (3-hydroxyacyl-CoA dehydratase 1; minus strand). Cytogenetic location: 10p12.33.
Variant type: single nucleotide variant.
Coding change: c.667G>A on transcript NM_014241.4 (MANE Select); coding-DNA position 667, G replaced by A.
Protein change: p.Ala223Thr; replaces alanine 223 with threonine.
Molecular consequence: missense variant.
Genome position (GRCh38, 1-based): chr10:17,594,322, C>T on the plus strand (G>A on the coding strand, the complement: HACD1 is on the minus strand). VCF-style: chr10-17594322-C-T. GRCh37 (hg19) VCF-style: chr10-17636321-C-T.
Other names: short protein forms A223T.
Identifiers: ClinVar variation 1494672 (VCV001494672.7), dbSNP rs782115025, ClinGen allele CA5427234.

ClinVar aggregate classification (germline): Uncertain significance (1 of 4 stars; one submission).

Allele frequency attached by ClinVar (database versions not stated): gnomAD exomes below 0.00001; ExAC 0.00001; gnomAD 0.00001.
gnomAD v4.1: 28 of 1,595,146 alleles (0.0018%); highest among the groups gnomAD compares: South Asian, 0.0023%; no homozygotes.

Submission:

Labcorp Genetics (formerly Invitae), Labcorp
Classification: Uncertain significance. Last evaluated: 2022-10-04. Review status: criteria provided, single submitter. Criteria: Invitae Variant Classification Sherloc (09022015). Collection method: clinical testing. Allele origin: germline.
Comment: In summary, the available evidence is currently insufficient to determine the role of this variant in disease. Therefore, it has been classified as a Variant of Uncertain Significance. Advanced modeling of protein sequence and biophysical properties (such as structural, functional, and spatial information, amino acid conservation, physicochemical variation, residue mobility, and thermodynamic stability) performed at Invitae indicates that this missense variant is not expected to disrupt HACD1 protein function. ClinVar contains an entry for this variant (Variation ID: 1494672). This variant has not been reported in the literature in individuals affected with HACD1-related conditions. The frequency data for this variant in the population databases is considered unreliable, as metrics indicate poor data quality at this position in the gnomAD database. This sequence change replaces alanine, which is neutral and non-polar, with threonine, which is neutral and polar, at codon 223 of the HACD1 protein (p.Ala223Thr).